The following is an entry in ClinVar:

ClinVar aggregate classification (germline): Uncertain significance. Review status: criteria provided, multiple submitters, no conflicts (2 of 4 stars). 4 submissions from 4 submitters: Uncertain significance (4). Last evaluated 2024-11-04.

Conditions:
Familial cancer of breast. Also called: BREAST CANCER, FAMILIAL; Hereditary breast cancer; hereditary breast carcinoma. Identifiers: Orphanet 227535, MedGen C0346153, MONDO:0016419, OMIM 114480. Disease mechanism: loss of function.
Hereditary cancer-predisposing syndrome. Also called: Neoplastic Syndromes, Hereditary; Tumor predisposition; Hereditary Cancer Syndrome; Hereditary neoplastic syndrome. Identifiers: Orphanet 140162, MedGen C0027672, MeSH D009386, MONDO:0015356.

Submissions (4):

Labcorp Genetics (formerly Invitae), Labcorp
Classification: Uncertain significance for Familial cancer of breast. Last evaluated: 2024-11-04. Review status: criteria provided, single submitter. Criteria: Invitae Variant Classification Sherloc (09022015). Collection method: clinical testing. Allele origin: germline.
Comment: This sequence change replaces proline, which is neutral and non-polar, with histidine, which is basic and polar, at codon 358 of the PALB2 protein (p.Pro358His). This variant is not present in population databases (gnomAD no frequency). This variant has not been reported in the literature in individuals affected with PALB2-related conditions. ClinVar contains an entry for this variant (Variation ID: 482063). Invitae Evidence Modeling of protein sequence and biophysical properties (such as structural, functional, and spatial information, amino acid conservation, physicochemical variation, residue mobility, and thermodynamic stability) has been performed for this missense variant. However, the output from this modeling did not meet the statistical confidence thresholds required to predict the impact of this variant on PALB2 protein function. In summary, the available evidence is currently insufficient to determine the role of this variant in disease. Therefore, it has been classified as a Variant of Uncertain Significance.

Ambry Genetics
Classification: Uncertain significance for Hereditary cancer-predisposing syndrome. Last evaluated: 2024-03-05. Review status: criteria provided, single submitter. Criteria: Ambry Variant Classification Scheme 2023. Collection method: clinical testing. Allele origin: germline.
Comment: The p.P358H variant (also known as c.1073C>A), located in coding exon 4 of the PALB2 gene, results from a C to A substitution at nucleotide position 1073. The proline at codon 358 is replaced by histidine, an amino acid with similar properties. This amino acid position is not well conserved in available vertebrate species. In addition, this alteration is predicted to be tolerated by in silico analysis. Since supporting evidence is limited at this time, the clinical significance of this alteration remains unclear.

Quest Diagnostics Nichols Institute San Juan Capistrano
Classification: Uncertain significance. Last evaluated: 2020-04-02. Review status: criteria provided, single submitter. Criteria: Quest Diagnostics criteria. Collection method: clinical testing. Allele origin: unknown.

Color Diagnostics, LLC DBA Color Health
Classification: Uncertain significance for Hereditary cancer-predisposing syndrome. Last evaluated: 2018-10-04. Review status: criteria provided, single submitter. Criteria: ACMG Guidelines, 2015. Collection method: clinical testing. Allele origin: germline.

NM_024675.4(PALB2):c.1073C>A (p.Pro358His)

Gene: PALB2 (partner and localizer of BRCA2; minus strand). Cytogenetic location: 16p12.2.
Variant type: single nucleotide variant.
Coding change: c.1073C>A on transcript NM_024675.4 (MANE Select); coding-DNA position 1073, C replaced by A.
Protein change: p.Pro358His; replaces proline 358 with histidine.
Molecular consequence: missense variant.
Genome position (GRCh38, 1-based): chr16:23,635,473, G>T on the plus strand (C>A on the coding strand, the complement: PALB2 is on the minus strand). VCF-style: chr16-23635473-G-T. GRCh37 (hg19) VCF-style: chr16-23646794-G-T.
Other names: short protein forms P358H.
Identifiers: ClinVar variation 482063 (VCV000482063.21), dbSNP rs1555461462, ClinGen allele CA395133987.
Genomic context (GRCh38, chr16:23,635,473, plus strand): 5'-GGTTGACTTAGAATCTCACTTTCCTGAAGATTTTCATTCCTGCCATCAAGAGTGTCACTG[G>T]GAGATTTTAAAGATTTCTCTGTTTGATTTTGTTCTTTTAAGTTTTGGTTTTCATTTGCTG-3'
Protein context (NP_078951.2, residues 348-368): QNQTEKSLKS[Pro358His]SDTLDGRNEN